The following is an entry in ClinVar:

NM_000350.3(ABCA4):c.4938del (p.Asp1646fs)

Genes: ABCA4 (ATP binding cassette subfamily A member 4; minus strand), LOC126805793 (CDK7 strongly-dependent group 2 enhancer GRCh37_chr1:94486302-94487501; plus strand). Cytogenetic location: 1p22.1.
Variant type: Deletion.
Coding change: c.4938del on transcript NM_000350.3 (MANE Select); coding-DNA position 4938, one base deleted (C; older notation c.4938delC).
Protein change: p.Asp1646fs; shifts the reading frame from aspartic acid 1646.
Molecular consequence: frameshift variant.
Genome position (GRCh38, 1-based): chr1:94,021,320, G deleted on the plus strand (C on the coding strand, the reverse complement: ABCA4 is on the minus strand). VCF-style (leftmost placement, unchanged base first): chr1-94021319-TG-T. GRCh37 (hg19) VCF-style: chr1-94486875-TG-T.
Other names: c.4716delC, p.Asp1572Glufs (NM_001425324.1); short protein forms D1646fs.
Identifiers: ClinVar variation 1068694 (VCV001068694.8), dbSNP rs2101022969, ClinGen allele CA2499214880.

ClinVar aggregate classification (germline): Pathogenic/Likely pathogenic. Review status: criteria provided, multiple submitters, no conflicts (2 of 4 stars). 2 submissions from 2 submitters: Pathogenic (1); Likely pathogenic (1). Last evaluated 2023-11-15.

Conditions:
ABCA4-related disorder. Also called: ABCA4-related disorders; ABCA4-related condition. Identifiers: MedGen CN239167.

Submissions (2):

Blueprint Genetics
Classification: Likely pathogenic for ABCA4-related disorders. Last evaluated: 2023-11-15. Review status: criteria provided, single submitter. Criteria: ACMG Guidelines, 2015. Collection method: clinical testing. Allele origin: germline. Affected: yes. Observed: 1 variant allele.

Labcorp Genetics (formerly Invitae), Labcorp
Classification: Pathogenic. Last evaluated: 2022-10-25. Review status: criteria provided, single submitter. Criteria: Invitae Variant Classification Sherloc (09022015). Collection method: clinical testing. Allele origin: germline.
Comment: For these reasons, this variant has been classified as Pathogenic. ClinVar contains an entry for this variant (Variation ID: 1068694). This variant has not been reported in the literature in individuals affected with ABCA4-related conditions. This variant is not present in population databases (gnomAD no frequency). This sequence change creates a premature translational stop signal (p.Asp1646Glufs*16) in the ABCA4 gene. It is expected to result in an absent or disrupted protein product. Loss-of-function variants in ABCA4 are known to be pathogenic (PMID: 10958761, 24938718, 25312043, 26780318).

Literature cited by the submitters: PubMed 10958761 (cited by Labcorp Genetics (formerly Invitae), Labcorp); PubMed 24938718 (cited by Labcorp Genetics (formerly Invitae), Labcorp); PubMed 25312043 (cited by Labcorp Genetics (formerly Invitae), Labcorp); PubMed 26780318 (cited by Labcorp Genetics (formerly Invitae), Labcorp).